The following is an entry in ClinVar:

NM_013275.6(ANKRD11):c.1508A>G (p.Lys503Arg)

Gene: ANKRD11 (ankyrin repeat domain 11; minus strand). Cytogenetic location: 16q24.3.
Variant type: single nucleotide variant.
Coding change: c.1508A>G on transcript NM_013275.6 (MANE Select); coding-DNA position 1508, A replaced by G.
Protein change: p.Lys503Arg; replaces lysine 503 with arginine.
Molecular consequence: missense variant.
Genome position (GRCh38, 1-based): chr16:89,285,034, T>C on the plus strand (A>G on the coding strand, the complement: ANKRD11 is on the minus strand). VCF-style: chr16-89285034-T-C. GRCh37 (hg19) VCF-style: chr16-89351442-T-C.
Other names: c.1508A>G, p.Lys503Arg (NM_001256182.2, NM_001256183.2); c.1508A>G (NM_013275.4); short protein forms K503R.
Identifiers: ClinVar variation 2055944 (VCV002055944.6), dbSNP rs372485050, ClinGen allele CA8242758.

ClinVar aggregate classification (germline): Uncertain significance. Review status: criteria provided, multiple submitters, no conflicts (2 of 4 stars). 2 submissions from 2 submitters: Uncertain significance (2). Last evaluated 2025-03-29.

Conditions:
Inborn genetic diseases. Identifiers: MedGen C0950123, MeSH D030342.
KBG syndrome (KBGS). Also called: ANKRD11-Related KBG Syndrome. Identifiers: Orphanet 2332, MedGen C0220687, MONDO:0007846, OMIM 148050.

Allele frequency attached by ClinVar (database versions not stated): ExAC 0.00001; gnomAD 0.00002; TOPMed 0.00003; ESP Exome Variant Server 0.00015.
gnomAD v4.1: 36 of 1,613,886 alleles (0.0022%); highest among the groups gnomAD compares: Non-Finnish European, 0.003%; no homozygotes.

Submissions (2):

Labcorp Genetics (formerly Invitae), Labcorp
Classification: Uncertain significance for KBG syndrome. Last evaluated: 2025-03-29. Review status: criteria provided, single submitter. Criteria: Invitae Variant Classification Sherloc (09022015). Collection method: clinical testing. Allele origin: germline.
Comment: This sequence change replaces lysine, which is basic and polar, with arginine, which is basic and polar, at codon 503 of the ANKRD11 protein (p.Lys503Arg). This variant is present in population databases (rs372485050, gnomAD 0.007%). This variant has not been reported in the literature in individuals affected with ANKRD11-related conditions. ClinVar contains an entry for this variant (Variation ID: 2055944). Invitae Evidence Modeling of protein sequence and biophysical properties (such as structural, functional, and spatial information, amino acid conservation, physicochemical variation, residue mobility, and thermodynamic stability) indicates that this missense variant is not expected to disrupt ANKRD11 protein function with a negative predictive value of 95%. In summary, the available evidence is currently insufficient to determine the role of this variant in disease. Therefore, it has been classified as a Variant of Uncertain Significance.

Ambry Genetics
Classification: Uncertain significance for Inborn genetic diseases. Last evaluated: 2023-04-07. Review status: criteria provided, single submitter. Criteria: Ambry Variant Classification Scheme 2023. Collection method: clinical testing. Allele origin: germline.